The following is an entry in ClinVar:

ClinVar aggregate classification (germline): Likely benign (1 of 4 stars; one submission).

Submission:

CeGaT Center for Human Genetics Tuebingen
Classification: Likely benign. Last evaluated: 2026-06-01. Review status: criteria provided, single submitter. Criteria: CeGaT Center For Human Genetics Tuebingen Variant Classification Criteria Version 2. Collection method: clinical testing. Allele origin: germline. Affected: yes. Observed: 1 variant allele.
Comment: KCNH2: PM2:Supporting, BP4, BP7

NM_000238.4(KCNH2):c.3282G>A (p.Leu1094=)

Gene: KCNH2 (potassium voltage-gated channel subfamily H member 2; minus strand). Cytogenetic location: 7q36.1.
Variant type: single nucleotide variant.
Coding change: c.3282G>A on transcript NM_000238.4 (MANE Select); coding-DNA position 3282, G replaced by A.
Protein change: p.Leu1094=; no amino-acid change (leucine 1094 retained).
Molecular consequence: synonymous variant. On other transcripts: non-coding transcript variant (2).
Genome position (GRCh38, 1-based): chr7:150,946,925, C>T on the plus strand (G>A on the coding strand, the complement: KCNH2 is on the minus strand). VCF-style: chr7-150946925-C-T. GRCh37 (hg19) VCF-style: chr7-150644013-C-T.
Other names: c.2994G>A, p.Leu998= (NM_001406753.1); c.2262G>A, p.Leu754= (NM_172057.3).
Identifiers: ClinVar variation 4874063 (VCV004874063.2).